The following is an entry in ClinVar:

NM_001134673.4(NFIA):c.739_740del (p.Ser247fs)

Gene: NFIA (nuclear factor I A; plus strand). Cytogenetic location: 1p31.3.
Variant type: Microsatellite.
Coding change: c.739_740del on transcript NM_001134673.4 (MANE Select); coding-DNA positions 739 to 740, 2 bases deleted (TC; older notation c.739_740delTC).
Protein change: p.Ser247fs; shifts the reading frame from serine 247.
Molecular consequence: frameshift variant.
Genome position (GRCh38, 1-based): chr1:61,352,488-61,352,489, TC deleted; deleting any 2 consecutive bases within chr1:61,352,482-61,352,489 gives the same sequence; the c. name uses the placement nearest the transcript's 3' end. VCF-style (leftmost placement, unchanged base first): chr1-61352481-TTC-T. GRCh37 (hg19) VCF-style: chr1-61818153-TTC-T.
Other names: c.715_716del, p.Ser239fs (NM_001145511.2); c.874_875del, p.Ser292fs (NM_001145512.2); c.739_740del, p.Ser247fs (NM_005595.5); short protein forms S239fs, S247fs, S292fs.
Identifiers: ClinVar variation 2124621 (VCV002124621.4), dbSNP rs2525109189, ClinGen allele CA2574388055.

ClinVar aggregate classification (germline): Pathogenic/Likely pathogenic. Review status: criteria provided, multiple submitters, no conflicts (2 of 4 stars). 2 submissions from 2 submitters: Pathogenic (1); Likely pathogenic (1). Last evaluated 2024-05-15.

Conditions:
Brain malformations with or without urinary tract defects. Also called: Brain malformations and urinary tract defects. Identifiers: MedGen C4478940, MONDO:0100478, OMIM 613735.

Submissions (2):

Labcorp Genetics (formerly Invitae), Labcorp
Classification: Pathogenic. Last evaluated: 2024-05-15. Review status: criteria provided, single submitter. Criteria: Invitae Variant Classification Sherloc (09022015). Collection method: clinical testing. Allele origin: germline.
Comment: This sequence change creates a premature translational stop signal (p.Ser247Argfs*37) in the NFIA gene. It is expected to result in an absent or disrupted protein product. Loss-of-function variants in NFIA are known to be pathogenic (PMID: 27081522, 31730271). This variant is not present in population databases (gnomAD no frequency). This variant has not been reported in the literature in individuals affected with NFIA-related conditions. For these reasons, this variant has been classified as Pathogenic.

ARUP Laboratories, Molecular Genetics and Genomics, ARUP Laboratories
Classification: Likely pathogenic for Brain malformations with or without urinary tract defects. Last evaluated: 2023-10-06. Review status: criteria provided, single submitter. Criteria: ARUP Molecular Germline Variant Investigation Process 2024. Collection method: clinical testing. Allele origin: germline.
Comment: The NFIA c.739_740del; p.Ser247ArgfsTer37 variant, to our knowledge, is not reported in the medical literature but is reported in ClinVar (Variation ID: 2124621). This variant is absent from the Genome Aggregation Database (v2.1.1), indicating it is not a common polymorphism. This variant causes a frameshift by deleting 2 nucleotides, so it is predicted to result in a truncated protein or mRNA subject to nonsense-mediated decay. Additionally, several downstream truncating variants have been described in individuals with BRMUTD (Fu 2022, Negishi 2015, Lei 2022). Based on available information, this variant is considered to be likely pathogenic. References: Fu F et al. Application of exome sequencing for prenatal diagnosis of fetal structural anomalies: clinical experience and lessons learned from a cohort of 1618 fetuses. Genome Med. 2022 Oct 28;14(1):123. PMID: 36307859. Negishi Y et al. Truncating mutation in NFIA causes brain malformation and urinary tract defects. Hum Genome Var. 2015 Feb 26;2:15007. PMID: 27081522. Lei TY et al. Prenatal exome sequencing in fetuses with callosal anomalies. Prenat Diagn. 2022 May;42(6):744-752. PMID: 35088901.

Literature cited by the submitters: PubMed 27081522 (cited by Labcorp Genetics (formerly Invitae), Labcorp); PubMed 31730271 (cited by Labcorp Genetics (formerly Invitae), Labcorp).